The following is an entry in ClinVar:

ClinVar aggregate classification (germline): Pathogenic (1 of 4 stars; one submission).

Submission:

Labcorp Genetics (formerly Invitae), Labcorp
Classification: Pathogenic. Last evaluated: 2023-12-16. Review status: criteria provided, single submitter. Criteria: Invitae Variant Classification Sherloc (09022015). Collection method: clinical testing. Allele origin: germline.
Comment: This sequence change creates a premature translational stop signal (p.Arg220Glufs*22) in the USH1C gene. It is expected to result in an absent or disrupted protein product. Loss-of-function variants in USH1C are known to be pathogenic (PMID: 10973247, 17407589, 20301442, 21203349). This variant is not present in population databases (gnomAD no frequency). This variant has not been reported in the literature in individuals affected with USH1C-related conditions. For these reasons, this variant has been classified as Pathogenic.

Literature cited by the submitters: PubMed 10973247; PubMed 17407589; PubMed 20301442; PubMed 21203349.

NM_153676.4(USH1C):c.658del (p.Arg220fs)

Gene: USH1C (USH1 protein network component harmonin; minus strand). Cytogenetic location: 11p15.1.
Variant type: Deletion.
Coding change: c.658del on transcript NM_153676.4 (MANE Select); coding-DNA position 658, one base deleted (C; older notation c.658delC).
Protein change: p.Arg220fs; shifts the reading frame from arginine 220.
Molecular consequence: frameshift variant. On other transcripts: non-coding transcript variant (1).
Genome position (GRCh38, 1-based): chr11:17,526,363, G deleted on the plus strand (C on the coding strand, the reverse complement: USH1C is on the minus strand); the first of 3 consecutive G bases (chr11:17,526,363-17,526,365); deleting any one gives the same sequence. VCF-style (leftmost placement, unchanged base first): chr11-17526362-CG-C. GRCh37 (hg19) VCF-style: chr11-17547909-CG-C.
Other names: c.658del, p.Arg220fs (NM_001297764.2, NM_005709.4); short protein forms R220fs.
Identifiers: ClinVar variation 2703540 (VCV002703540.3), dbSNP rs2497182239, ClinGen allele CA2574769238.